The following is an entry in ClinVar:

NM_020461.4(TUBGCP6):c.1539C>T (p.Cys513=)

Gene: TUBGCP6 (tubulin gamma complex component 6; minus strand). Cytogenetic location: 22q13.33.
Variant type: single nucleotide variant.
Coding change: c.1539C>T on transcript NM_020461.4 (MANE Select); coding-DNA position 1539, C replaced by T.
Protein change: p.Cys513=; no amino-acid change (cysteine 513 retained).
Molecular consequence: synonymous variant.
Genome position (GRCh38, 1-based): chr22:50,226,795, G>A on the plus strand (C>T on the coding strand, the complement: TUBGCP6 is on the minus strand). VCF-style: chr22-50226795-G-A. GRCh37 (hg19) VCF-style: chr22-50665224-G-A.
Identifiers: ClinVar variation 437158 (VCV000437158.19), dbSNP rs149982006, ClinGen allele CA10308625.
Genomic context (GRCh38, chr22:50,226,795, plus strand): 5'-GGTGTAGGGCTCGCAGCTGGTCTTCAGCAGGGACAGCAGTACAGGGTAGTGCTCGTTGCT[G>A]CAGTTGTGCAGAGCCTCCTGGTAGAGGTAGGACAGCAGCTTCACGCCCTGCAGACCGCAA-3'
Protein context (NP_065194.3, residues 503-523): SYLYQEALHN[Cys513=]SNEHYPVLLS

ClinVar aggregate classification (germline): Conflicting classifications of pathogenicity. Review status: criteria provided, conflicting classifications (1 of 4 stars). 4 submissions from 4 submitters: Uncertain significance (1); Likely benign (2). 1 of the submissions does not count toward it. Last evaluated 2025-09-19.

Conditions:
TUBGCP6-related disorder. Also called: TUBGCP6-related condition.

Allele frequency attached by ClinVar (database versions not stated): gnomAD exomes 0.00006 and 0.00014; ExAC 0.00031; TOPMed 0.00048; gnomAD 0.00049 and 0.00051; 1000 Genomes Project 0.00060; ESP Exome Variant Server 0.00062; 1000 Genomes Project 30x 0.00078.
gnomAD v4.1: 172 of 1,591,546 alleles (0.011%); highest among the groups gnomAD compares: African/African-American, 0.2%; 1 homozygote.

Submissions (4):

Labcorp Genetics (formerly Invitae), Labcorp
Classification: Likely benign. Last evaluated: 2025-09-19. Review status: criteria provided, single submitter. Criteria: Invitae Variant Classification Sherloc (09022015). Collection method: clinical testing. Allele origin: germline.

Blueprint Genetics
Classification: Likely benign. Last evaluated: 2022-08-24. Review status: criteria provided, single submitter. Criteria: ACMG Guidelines, 2015. Collection method: clinical testing. Allele origin: germline.

Genetic Services Laboratory, University of Chicago
Classification: Uncertain significance. Last evaluated: 2016-06-14. Review status: criteria provided, single submitter. Criteria: ACMG Guidelines, 2015. Collection method: clinical testing. Allele origin: germline. Affected: no.

PreventionGenetics, part of Exact Sciences
Classification: Likely benign for TUBGCP6-related condition. Last evaluated: 2019-10-28. Review status: no assertion criteria provided. Collection method: clinical testing. Allele origin: germline. Not counted in ClinVar's aggregate classification.
Comment: This variant is classified as likely benign based on ACMG/AMP sequence variant interpretation guidelines (Richards et al. 2015 PMID: 25741868, with internal and published modifications).